The following is an entry in ClinVar:

ClinVar aggregate classification (germline): Benign. Review status: criteria provided, multiple submitters, no conflicts (2 of 4 stars). 11 submissions from 11 submitters: Benign (9). 2 of the submissions do not count toward it. Last evaluated 2026-02-03.

Conditions:
Bethlem myopathy 1A. Also called: Bethlem Muscular Dystrophy; MYOPATHY, BENIGN CONGENITAL, WITH CONTRACTURES; Bethlem myopathy 1. Identifiers: Orphanet 610, MedGen CN029274, MONDO:0024530, OMIM 158810.
Collagen 6-related myopathy. Identifiers: MedGen CN117976, MONDO:0100225.

Allele frequency attached by ClinVar (database versions not stated): ESP Exome Variant Server 0.16016; gnomAD 0.17496 and 0.17818; gnomAD exomes 0.17886 and 0.21767; TOPMed 0.18536; 1000 Genomes Project 30x 0.19878; 1000 Genomes Project 0.20028; ExAC 0.22493.
gnomAD v4.1: 323,098 of 1,512,874 alleles (21%); highest among the groups gnomAD compares: East Asian, 37%; 37,201 homozygotes.

Submissions (11):

Labcorp Genetics (formerly Invitae), Labcorp
Classification: Benign for Bethlem myopathy 1A. Last evaluated: 2026-02-03. Review status: criteria provided, single submitter. Criteria: Invitae Variant Classification Sherloc (09022015). Collection method: clinical testing. Allele origin: germline.

Blueprint Genetics
Classification: Benign. Last evaluated: 2024-11-28. Review status: criteria provided, single submitter. Criteria: ACMG Guidelines, 2015. Collection method: clinical testing. Allele origin: germline.

Illumina Laboratory Services, Illumina
Classification: Benign for Collagen VI-related myopathy. Last evaluated: 2018-01-13. Review status: criteria provided, single submitter. Criteria: ICSL Variant Classification Criteria 13 December 2019. Collection method: clinical testing. Allele origin: germline.
Comment: This variant was observed in the ICSL laboratory as part of a predisposition screen in an ostensibly healthy population. It had not been previously curated by ICSL or reported in the Human Gene Mutation Database (HGMD: prior to June 1st, 2018), and was therefore a candidate for classification through an automated scoring system. Utilizing variant allele frequency, disease prevalence and penetrance estimates, and inheritance mode, an automated score was calculated to assess if this variant is too frequent to cause the disease. Based on the score and internal cut-off values, a variant classified as benign is not then subjected to further curation. The score for this variant resulted in a classification of benign for this disease.

Mayo Clinic Laboratories, Mayo Clinic
Classification: Benign. Last evaluated: 2017-12-01. Review status: criteria provided, single submitter. Criteria: ACMG Guidelines, 2015. Collection method: clinical testing. Allele origin: germline. Observed: 299 variant alleles.

GeneDx
Classification: Benign. Last evaluated: 2016-01-28. Review status: criteria provided, single submitter. Criteria: GeneDx Variant Classification (06012015). Collection method: clinical testing. Allele origin: germline. Affected: yes.
Comment: This variant is considered likely benign or benign based on one or more of the following criteria: it is a conservative change, it occurs at a poorly conserved position in the protein, it is predicted to be benign by multiple in silico algorithms, and/or has population frequency not consistent with disease.

Eurofins Ntd Llc (ga)
Classification: Benign. Last evaluated: 2016-01-19. Review status: criteria provided, single submitter. Criteria: EGL Classification Definitions 2015. Collection method: clinical testing. Allele origin: germline. Observed: 75 variant alleles, 68 heterozygotes, 7 homozygotes.

PreventionGenetics, part of Exact Sciences
Classification: Benign. Last evaluated: 2016-01-07. Review status: criteria provided, single submitter. Criteria: ACMG Guidelines, 2015. Collection method: clinical testing. Allele origin: germline.

Genetic Services Laboratory, University of Chicago
Classification: Benign for AllHighlyPenetrant. Last evaluated: 2013-08-15. Review status: criteria provided, single submitter. Criteria: ACMG Guidelines, 2007. Collection method: clinical testing. Allele origin: germline.

Breakthrough Genomics
Classification: Benign. Review status: criteria provided, single submitter. Criteria: ACMG Guidelines, 2015. Collection method: not provided. Allele origin: germline. Inheritance: Autosomal recessive inheritance. Affected: yes.

Clinical Genetics, Academic Medical Center
Classification: Benign. Review status: no assertion criteria provided. Collection method: clinical testing. Allele origin: germline. Affected: yes. Study: VKGL Data-share Consensus. Not counted in ClinVar's aggregate classification.

Joint Genome Diagnostic Labs from Nijmegen and Maastricht, Radboudumc and MUMC+
Classification: Benign. Review status: no assertion criteria provided. Collection method: clinical testing. Allele origin: germline. Affected: yes. Study: VKGL Data-share Consensus. Not counted in ClinVar's aggregate classification.

NM_001849.4(COL6A2):c.1333-8T>C

Gene: COL6A2 (collagen type VI alpha 2 chain; plus strand). Cytogenetic location: 21q22.3.
Variant type: single nucleotide variant.
Coding change: c.1333-8T>C on transcript NM_001849.4 (MANE Select); 8 bases into the intron before coding-DNA position 1333, T replaced by C.
Molecular consequence: intron variant.
Genome position (GRCh38, 1-based): chr21:46,120,507, T>C. VCF-style: chr21-46120507-T-C. GRCh37 (hg19) VCF-style: chr21-47540421-T-C.
Other names: p.?; c.1333-8T>C (NM_058175.3, NM_058174.3).
Identifiers: ClinVar variation 93906 (VCV000093906.30), dbSNP rs73159701, ClinGen allele CA147430.